The following is an entry in ClinVar:

ClinVar aggregate classification (germline): Uncertain significance (1 of 4 stars; one submission).

Submission:

Labcorp Genetics (formerly Invitae), Labcorp
Classification: Uncertain significance. Last evaluated: 2022-07-05. Review status: criteria provided, single submitter. Criteria: Invitae Variant Classification Sherloc (09022015). Collection method: clinical testing. Allele origin: germline.
Comment: This sequence change replaces cysteine, which is neutral and slightly polar, with tyrosine, which is neutral and polar, at codon 703 of the AHR protein (p.Cys703Tyr). In summary, the available evidence is currently insufficient to determine the role of this variant in disease. Therefore, it has been classified as a Variant of Uncertain Significance. Algorithms developed to predict the effect of missense changes on protein structure and function output the following: SIFT: "Tolerated"; PolyPhen-2: "Benign"; Align-GVGD: "Class C0". The tyrosine amino acid residue is found in multiple mammalian species, which suggests that this missense change does not adversely affect protein function. This variant has not been reported in the literature in individuals affected with AHR-related conditions. This variant is not present in population databases (gnomAD no frequency).

NM_001621.5(AHR):c.2108G>A (p.Cys703Tyr)

Gene: AHR (aryl hydrocarbon receptor; plus strand). Cytogenetic location: 7p21.1.
Variant type: single nucleotide variant.
Coding change: c.2108G>A on transcript NM_001621.5 (MANE Select); coding-DNA position 2108, G replaced by A.
Protein change: p.Cys703Tyr; replaces cysteine 703 with tyrosine.
Molecular consequence: missense variant.
Genome position (GRCh38, 1-based): chr7:17,339,933, G>A. VCF-style: chr7-17339933-G-A. GRCh37 (hg19) VCF-style: chr7-17379557-G-A.
Other names: short protein forms C703Y.
Identifiers: ClinVar variation 1953970 (VCV001953970.5), dbSNP rs2534451596, ClinGen allele CA366896043.
Genomic context (GRCh38, chr7:17,339,933, plus strand): 5'-AAGAGTTCCCCTACAAATCTGAAATGGATTCTATGCCTTATACACAGAACTTTATTTCCT[G>A]TAATCAGCCTGTATTACCACAACATTCCAAATGTACAGAGCTGGACTACCCTATGGGGAG-3'
Protein context (NP_001612.1, residues 693-713): SMPYTQNFIS[Cys703Tyr]NQPVLPQHSK